The following is an entry in ClinVar:

NM_002485.5(NBN):c.882G>C (p.Met294Ile)

Gene: NBN (nibrin; minus strand). Cytogenetic location: 8q21.3.
Variant type: single nucleotide variant.
Coding change: c.882G>C on transcript NM_002485.5 (MANE Select); coding-DNA position 882, G replaced by C.
Protein change: p.Met294Ile; replaces methionine 294 with isoleucine.
Molecular consequence: missense variant.
Genome position (GRCh38, 1-based): chr8:89,970,378, C>G on the plus strand (G>C on the coding strand, the complement: NBN is on the minus strand). VCF-style: chr8-89970378-C-G. GRCh37 (hg19) VCF-style: chr8-90982606-C-G.
Other names: c.636G>C, p.Met212Ile (NM_001024688.3); short protein forms M294I, M212I.
Identifiers: ClinVar variation 962675 (VCV000962675.14), dbSNP rs1811450172, ClinGen allele CA371658232.

ClinVar aggregate classification (germline): Uncertain significance. Review status: criteria provided, multiple submitters, no conflicts (2 of 4 stars). 3 submissions from 3 submitters: Uncertain significance (3). Last evaluated 2024-11-18.

Conditions:
Hereditary cancer-predisposing syndrome. Also called: Hereditary neoplastic syndrome; Tumor predisposition; Neoplastic Syndromes, Hereditary; Hereditary Cancer Syndrome. Identifiers: Orphanet 140162, MedGen C0027672, MeSH D009386, MONDO:0015356.
Aplastic anemia. Identifiers: Orphanet 182040, Orphanet 88, MedGen C0002874, MONDO:0015909, OMIM 609135, HP:0001915.
Microcephaly, normal intelligence and immunodeficiency (NBS). Also called: Immunodeficiency, microcephaly with normal intelligence; Nijmegen breakage syndrome; Ataxia telangiectasia variant V1; SEEMANOVA SYNDROME II; BERLIN BREAKAGE SYNDROME; IMMUNODEFICIENCY, MICROCEPHALY, AND CHROMOSOMAL INSTABILITY. Identifiers: Orphanet 647, MedGen C0398791, MONDO:0009623, OMIM 251260.

Submissions (3):

Ambry Genetics
Classification: Uncertain significance for Hereditary cancer-predisposing syndrome. Last evaluated: 2024-11-18. Review status: criteria provided, single submitter. Criteria: Ambry Variant Classification Scheme 2023. Collection method: clinical testing. Allele origin: germline.
Comment: The p.M294I variant (also known as c.882G>C), located in coding exon 7 of the NBN gene, results from a G to C substitution at nucleotide position 882. The methionine at codon 294 is replaced by isoleucine, an amino acid with highly similar properties. This amino acid position is not well conserved in available vertebrate species. In addition, this alteration is predicted to be tolerated by in silico analysis. Since supporting evidence is limited at this time, the clinical significance of this alteration remains unclear.

Baylor Genetics
Classification: Uncertain significance for Aplastic anemia. Last evaluated: 2023-05-24. Review status: criteria provided, single submitter. Criteria: ACMG Guidelines, 2015. Collection method: clinical testing. Allele origin: unknown.

Labcorp Genetics (formerly Invitae), Labcorp
Classification: Uncertain significance for Microcephaly, normal intelligence and immunodeficiency. Last evaluated: 2020-07-23. Review status: criteria provided, single submitter. Criteria: Invitae Variant Classification Sherloc (09022015). Collection method: clinical testing. Allele origin: germline.
Comment: In summary, the available evidence is currently insufficient to determine the role of this variant in disease. Therefore, it has been classified as a Variant of Uncertain Significance. This sequence change replaces methionine with isoleucine at codon 294 of the NBN protein (p.Met294Ile). The methionine residue is weakly conserved and there is a small physicochemical difference between methionine and isoleucine. This variant is not present in population databases (ExAC no frequency). This variant has not been reported in the literature in individuals with NBN-related conditions. Algorithms developed to predict the effect of missense changes on protein structure and function (SIFT, PolyPhen-2, Align-GVGD) all suggest that this variant is likely to be tolerated, but these predictions have not been confirmed by published functional studies and their clinical significance is uncertain.